The following is an entry in ClinVar:

ClinVar aggregate classification (germline): Conflicting classifications of pathogenicity. Review status: criteria provided, conflicting classifications (1 of 4 stars). 2 submissions from 2 submitters: Uncertain significance (1); Likely benign (1). Last evaluated 2025-10-13.

Allele frequency attached by ClinVar (database versions not stated): gnomAD exomes 0.00001 and 0.00004; ExAC 0.00004; gnomAD 0.00015 and 0.00016; 1000 Genomes Project 0.00020; 1000 Genomes Project 30x 0.00031; ESP Exome Variant Server 0.00009; TOPMed 0.00014.
gnomAD v4.1: 45 of 1,606,904 alleles (0.0028%); highest among the groups gnomAD compares: African/African-American, 0.051%; no homozygotes.

Submissions (2):

Mayo Clinic Laboratories, Mayo Clinic
Classification: Likely benign. Last evaluated: 2025-10-13. Review status: criteria provided, single submitter. Criteria: ACMG Guidelines, 2015. Collection method: clinical testing. Allele origin: germline. Observed: 1 variant allele.
Comment: BP4, BP7

Genetic Services Laboratory, University of Chicago
Classification: Uncertain significance. Last evaluated: 2021-10-11. Review status: criteria provided, single submitter. Criteria: ACMG Guidelines, 2015. Collection method: clinical testing. Allele origin: germline. Affected: no.

NM_014915.3(ANKRD26):c.*6A>G

Gene: ANKRD26 (ankyrin repeat domain 26; minus strand). Cytogenetic location: 10p12.1.
Variant type: single nucleotide variant.
Coding change: c.*6A>G on transcript NM_014915.3 (MANE Select); 6 bases downstream of the stop codon, A replaced by G.
Molecular consequence: 3 prime UTR variant.
Genome position (GRCh38, 1-based): chr10:27,005,584, T>C on the plus strand (A>G on the coding strand, the complement: ANKRD26 is on the minus strand). VCF-style: chr10-27005584-T-C. GRCh37 (hg19) VCF-style: chr10-27294513-T-C.
Other names: p.?; c.*6A>G (NM_001256053.2).
Identifiers: ClinVar variation 1338099 (VCV001338099.5), dbSNP rs372479083, ClinGen allele CA5447637.